The following is an entry in ClinVar:

NM_020297.4(ABCC9):c.880G>A (p.Gly294Arg)

Gene: ABCC9 (ATP binding cassette subfamily C member 9; minus strand). Cytogenetic location: 12p12.1.
Variant type: single nucleotide variant.
Coding change: c.880G>A on transcript NM_020297.4 (MANE Select); coding-DNA position 880, G replaced by A.
Protein change: p.Gly294Arg; replaces glycine 294 with arginine.
Molecular consequence: missense variant.
Genome position (GRCh38, 1-based): chr12:21,913,003, C>T on the plus strand (G>A on the coding strand, the complement: ABCC9 is on the minus strand). VCF-style: chr12-21913003-C-T. GRCh37 (hg19) VCF-style: chr12-22065937-C-T.
Other names: c.880G>A, p.Gly294Arg (NM_001377273.1, NM_005691.4); c.16G>A, p.Gly6Arg (NM_001377274.1); short protein forms G294R, G6R.
Identifiers: ClinVar variation 3359638 (VCV003359638.1).

ClinVar aggregate classification (germline): Uncertain significance (1 of 4 stars; one submission).

Submission:

GeneDx
Classification: Uncertain significance. Last evaluated: 2023-06-08. Review status: criteria provided, single submitter. Criteria: GeneDx Variant Classification Process June 2021. Collection method: clinical testing. Allele origin: germline. Affected: yes.
Comment: Not observed at significant frequency in large population cohorts (gnomAD); In silico analysis supports that this missense variant has a deleterious effect on protein structure/function; Has not been previously published as pathogenic or benign to our knowledge